The following is an entry in ClinVar:

NM_003072.5(SMARCA4):c.4655T>C (p.Val1552Ala)

Gene: SMARCA4 (SWI/SNF related BAF chromatin remodeling complex subunit ATPase 4; plus strand). Cytogenetic location: 19p13.2.
Variant type: single nucleotide variant.
Coding change: c.4655T>C on transcript NM_003072.5 (MANE Select); coding-DNA position 4655, T replaced by C.
Protein change: p.Val1552Ala; replaces valine 1552 with alanine.
Molecular consequence: missense variant. On other transcripts: non-coding transcript variant (1).
Genome position (GRCh38, 1-based): chr19:11,059,772, T>C. VCF-style: chr19-11059772-T-C. GRCh37 (hg19) VCF-style: chr19-11170448-T-C.
Other names: c.4655T>C, p.Val1552Ala (NM_001128844.3); c.4565T>C, p.Val1522Ala (NM_001128845.2); c.4562T>C, p.Val1521Ala (NM_001128846.2); c.4556T>C, p.Val1519Ala (NM_001128847.4, NM_001374457.1); c.4553T>C, p.Val1518Ala (NM_001128848.2); c.4751T>C, p.Val1584Ala (NM_001128849.3, NM_001387283.1); c.4652T>C, p.Val1551Ala (NM_001411150.1); short protein forms V1518A, V1519A, V1521A, V1552A, V1584A, V1522A, V1551A.
Identifiers: ClinVar variation 2812452 (VCV002812452.3), dbSNP rs2147113284, ClinGen allele CA404079230.
Genomic context (GRCh38, chr19:11,059,772, plus strand): 5'-AGTCGGGCCCATCCACTCAAGCCCCTGGTGTCTCTGCCCAGATCTATGAAGACTCCATCG[T>C]CTTGCAGTCGGTCTTCACCAGCGTGCGGCAGAAAATCGAGAAGGAGGATGACAGTGAAGG-3'
Protein context (NP_003063.2, residues 1542-1562): EGSLIYEDSI[Val1552Ala]LQSVFTSVRQ

ClinVar aggregate classification (germline): Uncertain significance (1 of 4 stars; one submission).

Conditions:
Rhabdoid tumor predisposition syndrome 2 (RTPS2). Identifiers: Orphanet 231108, Orphanet 69077, MedGen C2750074, MONDO:0013224, OMIM 613325.

Submission:

Labcorp Genetics (formerly Invitae), Labcorp
Classification: Uncertain significance for Rhabdoid tumor predisposition syndrome 2. Last evaluated: 2022-11-06. Review status: criteria provided, single submitter. Criteria: Invitae Variant Classification Sherloc (09022015). Collection method: clinical testing. Allele origin: germline.
Comment: This sequence change replaces valine, which is neutral and non-polar, with alanine, which is neutral and non-polar, at codon 1584 of the SMARCA4 protein (p.Val1584Ala). Advanced modeling of protein sequence and biophysical properties (such as structural, functional, and spatial information, amino acid conservation, physicochemical variation, residue mobility, and thermodynamic stability) has been performed at Invitae for this missense variant, however the output from this modeling did not meet the statistical confidence thresholds required to predict the impact of this variant on SMARCA4 protein function. This variant is not present in population databases (gnomAD no frequency). This variant has not been reported in the literature in individuals affected with SMARCA4-related conditions. Algorithms developed to predict the effect of sequence changes on RNA splicing suggest that this variant may disrupt the consensus splice site. In summary, the available evidence is currently insufficient to determine the role of this variant in disease. Therefore, it has been classified as a Variant of Uncertain Significance.